The following is an entry in ClinVar:

ClinVar aggregate classification (germline): Likely benign (1 of 4 stars; one submission).

Submission:

CeGaT Center for Human Genetics Tuebingen
Classification: Likely benign. Last evaluated: 2023-02-01. Review status: criteria provided, single submitter. Criteria: CeGaT Center For Human Genetics Tuebingen Variant Classification Criteria Version 2. Collection method: clinical testing. Allele origin: germline. Affected: yes. Observed: 1 variant allele.
Comment: HUWE1: BS2

NM_031407.7(HUWE1):c.46-555_46-552del

Gene: HUWE1 (HECT, UBA and WWE domain containing E3 ubiquitin protein ligase 1; minus strand). Cytogenetic location: Xp11.22.
Variant type: Deletion.
Coding change: c.46-555_46-552del on transcript NM_031407.7 (MANE Select); 555 bases into the intron before coding-DNA position 46 through 552 bases into the intron before coding-DNA position 46, 4 bases deleted (AATG; older notation c.46-555_46-552delAATG).
Molecular consequence: intron variant.
Genome position (GRCh38, 1-based): chrX:53,648,862-53,648,865, CATT deleted on the plus strand (AATG on the coding strand, the reverse complement: HUWE1 is on the minus strand); deleting any 4 consecutive bases within chrX:53,648,862-53,648,866 gives the same sequence; the c. name uses the placement nearest the transcript's 3' end. VCF-style (leftmost placement, unchanged base first): chrX-53648861-CCATT-C. GRCh37 (hg19) VCF-style: chrX-53675805-CCATT-C.
Identifiers: ClinVar variation 2660637 (VCV002660637.24), dbSNP rs782805963, ClinGen allele CA516440678.